The following is an entry in ClinVar:

NM_198576.4(AGRN):c.4834C>G (p.Gln1612Glu)

Gene: AGRN (agrin; plus strand). Cytogenetic location: 1p36.33.
Variant type: single nucleotide variant.
Coding change: c.4834C>G on transcript NM_198576.4 (MANE Select); coding-DNA position 4834, C replaced by G.
Protein change: p.Gln1612Glu; replaces glutamine 1612 with glutamic acid.
Molecular consequence: missense variant.
Genome position (GRCh38, 1-based): chr1:1,049,992, C>G. VCF-style: chr1-1049992-C-G. GRCh37 (hg19) VCF-style: chr1-985372-C-G.
Other names: c.4834C>G, p.Gln1612Glu (NM_001305275.2); c.4519C>G, p.Gln1507Glu (NM_001364727.2); short protein forms Q1612E, Q1507E.
Identifiers: ClinVar variation 582351 (VCV000582351.6), dbSNP rs1276554627, ClinGen allele CA337779495.

ClinVar aggregate classification (germline): Uncertain significance. Review status: criteria provided, multiple submitters, no conflicts (2 of 4 stars). 2 submissions from 2 submitters: Uncertain significance (2). Last evaluated 2022-03-04.

Conditions:
Inborn genetic diseases. Identifiers: MedGen C0950123, MeSH D030342.
Congenital myasthenic syndrome 8. Also called: MYASTHENIC SYNDROME, CONGENITAL, DUE TO AGRIN DEFICIENCY; Myasthenic syndrome, congenital, 8, with pre- and postsynaptic defects. Identifiers: Orphanet 590, MedGen C3808739, MONDO:0014052, OMIM 615120.

Allele frequency attached by ClinVar (database versions not stated): gnomAD 0.00001; TOPMed 0.00001.
gnomAD v4.1: 60 of 1,609,470 alleles (0.0037%); highest among the groups gnomAD compares: Non-Finnish European, 0.0048%; no homozygotes.

Submissions (2):

Labcorp Genetics (formerly Invitae), Labcorp
Classification: Uncertain significance for Congenital myasthenic syndrome 8. Last evaluated: 2022-03-04. Review status: criteria provided, single submitter. Criteria: Invitae Variant Classification Sherloc (09022015). Collection method: clinical testing. Allele origin: germline.
Comment: This sequence change replaces glutamine, which is neutral and polar, with glutamic acid, which is acidic and polar, at codon 1612 of the AGRN protein (p.Gln1612Glu). This variant is present in population databases (no rsID available, gnomAD 0.007%). This variant has not been reported in the literature in individuals affected with AGRN-related conditions. ClinVar contains an entry for this variant (Variation ID: 582351). Algorithms developed to predict the effect of missense changes on protein structure and function (SIFT, PolyPhen-2, Align-GVGD) all suggest that this variant is likely to be tolerated. In summary, the available evidence is currently insufficient to determine the role of this variant in disease. Therefore, it has been classified as a Variant of Uncertain Significance.

Ambry Genetics
Classification: Uncertain significance for Inborn genetic diseases. Last evaluated: 2021-10-26. Review status: criteria provided, single submitter. Criteria: Ambry Variant Classification Scheme 2023. Collection method: clinical testing. Allele origin: germline.